The following is an entry in ClinVar:

NM_006415.4(SPTLC1):c.985-5C>T

Gene: SPTLC1 (serine palmitoyltransferase long chain base subunit 1; minus strand). Cytogenetic location: 9q22.31.
Variant type: single nucleotide variant.
Coding change: c.985-5C>T on transcript NM_006415.4 (MANE Select); 5 bases into the intron before coding-DNA position 985, C replaced by T.
Molecular consequence: intron variant.
Genome position (GRCh38, 1-based): chr9:92,047,273, G>A on the plus strand (C>T on the coding strand, the complement: SPTLC1 is on the minus strand). VCF-style: chr9-92047273-G-A. GRCh37 (hg19) VCF-style: chr9-94809555-G-A.
Other names: c.985-5C>T (LRG_272t1, NM_001281303.2); c.619-5C>T (NM_001368272.1); c.520-5C>T (NM_001368273.1).
Identifiers: ClinVar variation 367548 (VCV000367548.43), dbSNP rs114380004, ClinGen allele CA5121349.

ClinVar aggregate classification (germline): Benign/Likely benign. Review status: criteria provided, multiple submitters, no conflicts (2 of 4 stars). 6 submissions from 6 submitters: Benign (3); Likely benign (3). Last evaluated 2025-09-15.

Conditions:
Hereditary sensory and autonomic neuropathy type 1 (HSAN1). Also called: Hereditary Sensory Neuropathy Type I; HSAN 1; HSN Type I. Identifiers: Orphanet 36386, MedGen C0020071, MONDO:0018213.
Inborn genetic diseases. Identifiers: MedGen C0950123, MeSH D030342.
Neuropathy, hereditary sensory and autonomic, type 1A (HSAN1A). Also called: HSAN IA; HSN IA; NEUROPATHY, HEREDITARY SENSORY RADICULAR, AUTOSOMAL DOMINANT, TYPE 1A; SPTLC1-Related Hereditary Sensory Neuropathy; NEUROPATHY, HEREDITARY SENSORY AND AUTONOMIC, TYPE IA. Identifiers: MedGen C5235211, MONDO:0008086, OMIM 162400.

Allele frequency attached by ClinVar (database versions not stated): gnomAD exomes 0.00058 and 0.00019; gnomAD 0.00228 and 0.00245; TOPMed 0.00235; 1000 Genomes Project 0.00240; ESP Exome Variant Server 0.00354; 1000 Genomes Project 30x 0.00312; ExAC 0.00074.
gnomAD v4.1: 644 of 1,612,192 alleles (0.04%); highest among the groups gnomAD compares: African/African-American, 0.73%; 2 homozygotes.

Submissions (6):

Labcorp Genetics (formerly Invitae), Labcorp
Classification: Benign for Hereditary sensory and autonomic neuropathy type 1. Last evaluated: 2025-09-15. Review status: criteria provided, single submitter. Criteria: Invitae Variant Classification Sherloc (09022015). Collection method: clinical testing. Allele origin: germline.

Blueprint Genetics
Classification: Likely benign. Last evaluated: 2024-11-14. Review status: criteria provided, single submitter. Criteria: ACMG Guidelines, 2015. Collection method: clinical testing. Allele origin: germline.

CeGaT Center for Human Genetics Tuebingen
Classification: Benign. Last evaluated: 2022-07-01. Review status: criteria provided, single submitter. Criteria: CeGaT Center For Human Genetics Tuebingen Variant Classification Criteria Version 2. Collection method: clinical testing. Allele origin: germline. Affected: yes. Observed: 1 variant allele.
Comment: SPTLC1: BS1, BS2

Ambry Genetics
Classification: Likely benign for Inborn genetic diseases. Last evaluated: 2020-01-16. Review status: criteria provided, single submitter. Criteria: Ambry Variant Classification Scheme 2023. Collection method: clinical testing. Allele origin: germline.

GeneDx
Classification: Likely benign. Last evaluated: 2018-03-01. Review status: criteria provided, single submitter. Criteria: GeneDx Variant Classification (06012015). Collection method: clinical testing. Allele origin: germline. Affected: yes.
Comment: This variant is considered likely benign or benign based on one or more of the following criteria: it is a conservative change, it occurs at a poorly conserved position in the protein, it is predicted to be benign by multiple in silico algorithms, and/or has population frequency not consistent with disease.

Illumina Laboratory Services, Illumina
Classification: Benign for Neuropathy, hereditary sensory and autonomic, type 1A. Last evaluated: 2018-01-13. Review status: criteria provided, single submitter. Criteria: ICSL Variant Classification Criteria 13 December 2019. Collection method: clinical testing. Allele origin: germline.
Comment: This variant was observed in the ICSL laboratory as part of a predisposition screen in an ostensibly healthy population. It had not been previously curated by ICSL or reported in the Human Gene Mutation Database (HGMD: prior to June 1st, 2018), and was therefore a candidate for classification through an automated scoring system. Utilizing variant allele frequency, disease prevalence and penetrance estimates, and inheritance mode, an automated score was calculated to assess if this variant is too frequent to cause the disease. Based on the score and internal cut-off values, a variant classified as benign is not then subjected to further curation. The score for this variant resulted in a classification of benign for this disease.